The following is an entry in ClinVar:

ClinVar aggregate classification (germline): Benign/Likely benign. Review status: criteria provided, multiple submitters, no conflicts (2 of 4 stars). 2 submissions from 2 submitters: Benign (1); Likely benign (1). Last evaluated 2026-04-01.

Allele frequency attached by ClinVar (database versions not stated): gnomAD 0.00001 and 0.00002; ExAC 0.00002; gnomAD exomes 0.00002; TOPMed 0.00002.
gnomAD v4.1: 17 of 1,207,979 alleles (0.0014%); highest among the groups gnomAD compares: Middle Eastern, 0.023%; no homozygotes.

Submissions (2):

CeGaT Center for Human Genetics Tuebingen
Classification: Likely benign. Last evaluated: 2026-04-01. Review status: criteria provided, single submitter. Criteria: CeGaT Center For Human Genetics Tuebingen Variant Classification Criteria Version 2. Collection method: clinical testing. Allele origin: germline. Affected: yes. Observed: 1 variant allele.
Comment: STAG2: BS2

Labcorp Genetics (formerly Invitae), Labcorp
Classification: Benign. Last evaluated: 2025-08-28. Review status: criteria provided, single submitter. Criteria: Invitae Variant Classification Sherloc (09022015). Collection method: clinical testing. Allele origin: germline.

NM_001042750.2(STAG2):c.1849C>T (p.Arg617Trp)

Gene: STAG2 (STAG2 cohesin complex component; plus strand). Cytogenetic location: Xq25.
Variant type: single nucleotide variant.
Coding change: c.1849C>T on transcript NM_001042750.2 (MANE Select); coding-DNA position 1849, C replaced by T.
Protein change: p.Arg617Trp; replaces arginine 617 with tryptophan.
Molecular consequence: missense variant.
Genome position (GRCh38, 1-based): chrX:124,063,875, C>T. VCF-style: chrX-124063875-C-T. GRCh37 (hg19) VCF-style: chrX-123197725-C-T.
Other names: c.1849C>T, p.Arg617Trp (NM_001042749.2, NM_001042751.2, NM_001282418.2 and 13 more transcripts); short protein forms R617W.
Identifiers: ClinVar variation 1560829 (VCV001560829.10), dbSNP rs749851312, ClinGen allele CA10508898.
Genomic context (GRCh38, chrX:124,063,875, plus strand): 5'-TTAGTTTTGATGAAAAATATTATTATTTTGCAGCATTTGGATGCCTTATTGCGACAGATC[C>T]GGAATATTGTAGAGAAGCACACAGATACAGATGTTTTGGAAGCATGTTCTAAAACTTACC-3'
Protein context (NP_001036215.1, residues 607-627): KHLDALLRQI[Arg617Trp]NIVEKHTDTD